The following is an entry in ClinVar:

ClinVar aggregate classification (germline): Uncertain significance. Review status: criteria provided, multiple submitters, no conflicts (2 of 4 stars). 2 submissions from 2 submitters: Uncertain significance (2). Last evaluated 2024-12-26.

Conditions:
Inborn genetic diseases. Identifiers: MedGen C0950123, MeSH D030342.

Allele frequency attached by ClinVar (database versions not stated): gnomAD 0.00001; gnomAD exomes 0.00001; TOPMed 0.00002.
gnomAD v4.1: 11 of 1,611,276 alleles (0.00068%); highest among the groups gnomAD compares: African/African-American, 0.013%; no homozygotes.

Submissions (2):

Labcorp Genetics (formerly Invitae), Labcorp
Classification: Uncertain significance. Last evaluated: 2024-12-26. Review status: criteria provided, single submitter. Criteria: Invitae Variant Classification Sherloc (09022015). Collection method: clinical testing. Allele origin: germline.
Comment: This sequence change replaces alanine, which is neutral and non-polar, with valine, which is neutral and non-polar, at codon 565 of the DVL3 protein (p.Ala565Val). This variant is not present in population databases (gnomAD no frequency). This variant has not been reported in the literature in individuals affected with DVL3-related conditions. ClinVar contains an entry for this variant (Variation ID: 1934256). Invitae Evidence Modeling of protein sequence and biophysical properties (such as structural, functional, and spatial information, amino acid conservation, physicochemical variation, residue mobility, and thermodynamic stability) indicates that this missense variant is not expected to disrupt DVL3 protein function with a negative predictive value of 80%. In summary, the available evidence is currently insufficient to determine the role of this variant in disease. Therefore, it has been classified as a Variant of Uncertain Significance.

Ambry Genetics
Classification: Uncertain significance for Inborn genetic diseases. Last evaluated: 2023-12-17. Review status: criteria provided, single submitter. Criteria: Ambry Variant Classification Scheme 2023. Collection method: clinical testing. Allele origin: germline.

NM_004423.4(DVL3):c.1694C>T (p.Ala565Val)

Gene: DVL3 (dishevelled segment polarity protein 3; plus strand). Cytogenetic location: 3q27.1.
Variant type: single nucleotide variant.
Coding change: c.1694C>T on transcript NM_004423.4 (MANE Select); coding-DNA position 1694, C replaced by T.
Protein change: p.Ala565Val; replaces alanine 565 with valine.
Molecular consequence: missense variant.
Genome position (GRCh38, 1-based): chr3:184,170,201, C>T. VCF-style: chr3-184170201-C-T. GRCh37 (hg19) VCF-style: chr3-183887989-C-T.
Other names: c.1694C>T (NM_004423.3); short protein forms A565V.
Identifiers: ClinVar variation 1934256 (VCV001934256.6), dbSNP rs1006501121, ClinGen allele CA88855955.